The following is an entry in ClinVar:

NM_000937.5(POLR2A):c.5790C>T (p.Tyr1930=)

Gene: POLR2A (RNA polymerase II subunit A; plus strand). Cytogenetic location: 17p13.1.
Variant type: single nucleotide variant.
Coding change: c.5790C>T on transcript NM_000937.5 (MANE Select); coding-DNA position 5790, C replaced by T.
Protein change: p.Tyr1930=; no amino-acid change (tyrosine 1930 retained).
Molecular consequence: synonymous variant.
Genome position (GRCh38, 1-based): chr17:7,514,056, C>T. VCF-style: chr17-7514056-C-T. GRCh37 (hg19) VCF-style: chr17-7417373-C-T.
Identifiers: ClinVar variation 3025678 (VCV003025678.23), dbSNP rs144878520, ClinGen allele CA8350645.
Genomic context (GRCh38, chr17:7,514,056, plus strand): 5'-ACCTACTAGCCCCACTTACTCGCCCACTTCCCCCAAGTACTCGCCCACCAGCCCCACCTA[C>T]TCGCCCACCTCCCCCAAAGGCTCAACCTACTCTCCCACTTCCCCTGGTTACTCGCCCACC-3'
Protein context (NP_000928.1, residues 1920-1940): SPKYSPTSPT[Tyr1930=]SPTSPKGSTY

ClinVar aggregate classification (germline): Likely benign. Review status: criteria provided, multiple submitters, no conflicts (2 of 4 stars). 2 submissions from 2 submitters: Likely benign (2). Last evaluated 2024-09-04.

Allele frequency attached by ClinVar (database versions not stated): gnomAD exomes 0.00022; ExAC 0.00086; gnomAD 0.00201; TOPMed 0.00256; 1000 Genomes Project 30x 0.00344; ESP Exome Variant Server 0.00354; 1000 Genomes Project 0.00359.

Submissions (2):

Blueprint Genetics
Classification: Likely benign. Last evaluated: 2024-09-04. Review status: criteria provided, single submitter. Criteria: ACMG Guidelines, 2015. Collection method: clinical testing. Allele origin: germline.

CeGaT Center for Human Genetics Tuebingen
Classification: Likely benign. Last evaluated: 2023-12-01. Review status: criteria provided, single submitter. Criteria: CeGaT Center For Human Genetics Tuebingen Variant Classification Criteria Version 2. Collection method: clinical testing. Allele origin: germline. Affected: yes. Observed: 1 variant allele.
Comment: POLR2A: BP4, BP7, BS1